The following is an entry in ClinVar:

NM_007294.4(BRCA1):c.4897A>C (p.Ser1633Arg)

Gene: BRCA1 (BRCA1 DNA repair associated; minus strand). Cytogenetic location: 17q21.31.
Variant type: single nucleotide variant.
Coding change: c.4897A>C on transcript NM_007294.4 (MANE Select); coding-DNA position 4897, A replaced by C.
Protein change: p.Ser1633Arg; replaces serine 1633 with arginine.
Molecular consequence: missense variant. On other transcripts: non-coding transcript variant (1).
Genome position (GRCh38, 1-based): chr17:43,071,017, T>G on the plus strand (A>C on the coding strand, the complement: BRCA1 is on the minus strand). VCF-style: chr17-43071017-T-G. GRCh37 (hg19) VCF-style: chr17-41223034-T-G.
Other names: c.4684A>C, p.Ser1562Arg (NM_001407571.1, NM_001407895.1, NM_001407896.1 and 12 more transcripts); c.4963A>C, p.Ser1655Arg (NM_001407581.1, NM_001407582.1); c.4960A>C, p.Ser1654Arg (NM_001407583.1, NM_001407585.1, NM_001407587.1 and 1 more transcripts); c.4957A>C, p.Ser1653Arg (NM_001407590.1, NM_001407591.1); c.4897A>C, p.Ser1633Arg (NM_001407593.1, NM_001407594.1, NM_001407596.1 and 8 more transcripts); c.4894A>C, p.Ser1632Arg (NM_001407610.1, NM_001407611.1, NM_001407612.1 and 17 more transcripts); c.4891A>C, p.Ser1631Arg (NM_001407627.1, NM_001407628.1, NM_001407629.1 and 14 more transcripts); c.4888A>C, p.Ser1630Arg (NM_001407644.1, NM_001407645.1); and 70 more; short protein forms S1633R, S529R, S1586R, S1654R, S1520R, S1521R, S1545R, S1564R.
Identifiers: ClinVar variation 531355 (VCV000531355.18), dbSNP rs1555580711, ClinGen allele CA10591733.

ClinVar aggregate classification (germline): Conflicting classifications of pathogenicity. Review status: criteria provided, conflicting classifications (1 of 4 stars). 2 submissions from 2 submitters: Uncertain significance (1); Likely benign (1). Last evaluated 2023-12-26.

Conditions:
Hereditary cancer-predisposing syndrome. Also called: Tumor predisposition; Hereditary Cancer Syndrome; Hereditary neoplastic syndrome; Neoplastic Syndromes, Hereditary. Identifiers: Orphanet 140162, MedGen C0027672, MeSH D009386, MONDO:0015356.
Hereditary breast ovarian cancer syndrome. Also called: Breast and ovarian cancer; Hereditary breast and/or ovarian cancer syndrome; BRCA1- and BRCA2-Associated Hereditary Breast and Ovarian Cancer; Hereditary breast and ovarian cancer syndrome; Hereditary breast and ovarian cancer syndrome (HBOC); Hereditary breast and ovarian cancer. Identifiers: Orphanet 145, MedGen C0677776, MeSH D061325, MONDO:0003582. Disease mechanism: loss of function.

Submissions (3):

Labcorp Genetics (formerly Invitae), Labcorp
Classification: Uncertain significance for Hereditary breast ovarian cancer syndrome. Last evaluated: 2023-12-26. Review status: criteria provided, single submitter. Criteria: Invitae Variant Classification Sherloc (09022015). Collection method: clinical testing. Allele origin: germline.
Comment: This sequence change replaces serine, which is neutral and polar, with arginine, which is basic and polar, at codon 1633 of the BRCA1 protein (p.Ser1633Arg). This variant is not present in population databases (gnomAD no frequency). This variant has not been reported in the literature in individuals affected with BRCA1-related conditions. ClinVar contains an entry for this variant (Variation ID: 531355). Advanced modeling performed at Invitae incorporating data from internal and/or published experimental studies (PMID: 30209399) indicates that this missense variant is not expected to disrupt BRCA1 function with a negative predictive value of 95%. In summary, the available evidence is currently insufficient to determine the role of this variant in disease. Therefore, it has been classified as a Variant of Uncertain Significance.

Ambry Genetics
Classification: Likely benign for Hereditary cancer-predisposing syndrome. Last evaluated: 2020-08-18. Review status: criteria provided, single submitter. Criteria: Ambry Variant Classification Scheme 2023. Collection method: clinical testing. Allele origin: germline.

Brotman Baty Institute, University of Washington
No classification provided (evidence only). Condition: Breast-ovarian cancer, familial 1. Review status: no classification provided. Collection method: in vitro. Allele origin: not applicable. Functional consequence: functionally_normal. Not counted in ClinVar's aggregate classification.
ClinVar note: "not provided" was previously submitted as the classification for the variant. However, the classification appeared to be based only on an observation of functional data so it was converted to no classification on 2025-07-30.

Literature cited by the submitters: PubMed 30209399 (cited by Labcorp Genetics (formerly Invitae), Labcorp and Ambry Genetics).